The following is an entry in ClinVar:

ClinVar aggregate classification (germline): Benign. Review status: criteria provided, multiple submitters, no conflicts (2 of 4 stars). 2 submissions from 2 submitters: Benign (2). Last evaluated 2018-01-13.

Conditions:
Autosomal dominant optic atrophy classic form (OPA1). Also called: KJER-TYPE OPTIC ATROPHY; OPTIC ATROPHY, JUVENILE; Optic Atrophy Type 1. Identifiers: Orphanet 98673, MedGen C0338508, MONDO:0008134, OMIM 165500.

Allele frequency attached by ClinVar (database versions not stated): gnomAD 0.54101 and 0.54522; TOPMed 0.54788; 1000 Genomes Project 30x 0.59119; 1000 Genomes Project 0.59585.

Submissions (2):

Illumina Laboratory Services, Illumina
Classification: Benign for Autosomal dominant optic atrophy classic form. Last evaluated: 2018-01-13. Review status: criteria provided, single submitter. Criteria: ICSL Variant Classification Criteria 13 December 2019. Collection method: clinical testing. Allele origin: germline.
Comment: This variant was observed in the ICSL laboratory as part of a predisposition screen in an ostensibly healthy population. It had not been previously curated by ICSL or reported in the Human Gene Mutation Database (HGMD: prior to June 1st, 2018), and was therefore a candidate for classification through an automated scoring system. Utilizing variant allele frequency, disease prevalence and penetrance estimates, and inheritance mode, an automated score was calculated to assess if this variant is too frequent to cause the disease. Based on the score and internal cut-off values, a variant classified as benign is not then subjected to further curation. The score for this variant resulted in a classification of benign for this disease.

Breakthrough Genomics
Classification: Benign. Review status: criteria provided, single submitter. Criteria: ACMG Guidelines, 2015. Collection method: not provided. Allele origin: germline. Inheritance: Autosomal recessive inheritance. Affected: yes.

NM_130837.3(OPA1):c.*1113C>T

Gene: OPA1 (OPA1 mitochondrial dynamin like GTPase; plus strand). Cytogenetic location: 3q29.
Variant type: single nucleotide variant.
Coding change: c.*1113C>T on transcript NM_130837.3 (MANE Select); 1113 bases downstream of the stop codon, C replaced by T.
Molecular consequence: 3 prime UTR variant.
Genome position (GRCh38, 1-based): chr3:193,695,713, C>T. VCF-style: chr3-193695713-C-T. GRCh37 (hg19) VCF-style: chr3-193413502-C-T.
Other names: c.*1113C>T (NM_001354663.2, NM_001354664.2, NM_015560.3 and 6 more transcripts).
Identifiers: ClinVar variation 344500 (VCV000344500.6), dbSNP rs12630, ClinGen allele CA10615460.